The following is an entry in ClinVar:

ClinVar aggregate classification (germline): Uncertain significance (1 of 4 stars; one submission).

Conditions:
Autosomal dominant hypocalcemia 1 (HYPOC1). Also called: HYPOCALCEMIA, FAMILIAL. Identifiers: MedGen C3715128, MONDO:0011013, OMIM 601198.
Familial hypocalciuric hypercalcemia (FHH). Also called: Familial benign hypercalcemia. Identifiers: Orphanet 405, MedGen C1809471, MONDO:0018458.

Allele frequency attached by ClinVar (database versions not stated): gnomAD exomes below 0.00001.
gnomAD v4.1: 1 of 1,614,164 alleles (0.000062%); highest among the groups gnomAD compares: Non-Finnish European, 0.000085%; no homozygotes.

Submission:

Labcorp Genetics (formerly Invitae), Labcorp
Classification: Uncertain significance for Familial hypocalciuric hypercalcemia; Autosomal dominant hypocalcemia 1. Last evaluated: 2022-09-17. Review status: criteria provided, single submitter. Criteria: Invitae Variant Classification Sherloc (09022015). Collection method: clinical testing. Allele origin: germline.
Comment: This sequence change creates a premature translational stop signal (p.Gln944*) in the CASR gene. While this is not anticipated to result in nonsense mediated decay, it is expected to disrupt the last 135 amino acid(s) of the CASR protein. This variant is not present in population databases (gnomAD no frequency). This variant has not been reported in the literature in individuals affected with CASR-related conditions. Experimental studies and prediction algorithms are not available or were not evaluated, and the functional significance of this variant is currently unknown. In summary, the available evidence is currently insufficient to determine the role of this variant in disease. Therefore, it has been classified as a Variant of Uncertain Significance.

NM_000388.4(CASR):c.2830C>T (p.Gln944Ter)

Gene: CASR (calcium sensing receptor; plus strand). Cytogenetic location: 3q21.1.
Variant type: single nucleotide variant.
Coding change: c.2830C>T on transcript NM_000388.4 (MANE Select); coding-DNA position 2830, C replaced by T.
Protein change: p.Gln944Ter; replaces glutamine 944 with a stop codon.
Molecular consequence: nonsense.
Genome position (GRCh38, 1-based): chr3:122,284,784, C>T. VCF-style: chr3-122284784-C-T. GRCh37 (hg19) VCF-style: chr3-122003631-C-T.
Other names: c.2860C>T, p.Gln954Ter (NM_001178065.2); short protein forms Q944*, Q954*.
Identifiers: ClinVar variation 2030934 (VCV002030934.4), dbSNP rs2107651308, ClinGen allele CA354160865.
Genomic context (GRCh38, chr3:122,284,784, plus strand): 5'-TTCCCACAGCCCGAGAGGCAGAAGCAGCAGCAGCCGCTGGCCCTAACCCAGCAAGAGCAG[C>T]AGCAGCAGCCCCTGACCCTCCCACAGCAGCAACGATCTCAGCAGCAGCCCAGATGCAAGC-3'